The following is an entry in ClinVar:

ClinVar aggregate classification (germline): Uncertain significance (1 of 4 stars; one submission).

Submission:

GeneDx
Classification: Uncertain significance. Last evaluated: 2025-02-28. Review status: criteria provided, single submitter. Criteria: GeneDx Variant Classification Process June 2021. Collection method: clinical testing. Allele origin: germline. Affected: yes.
Comment: Not observed at significant frequency in large population cohorts (gnomAD); In silico analysis supports that this missense variant has a deleterious effect on protein structure/function; Has not been previously published as pathogenic or benign to our knowledge; This variant is associated with the following publications: (PMID: 25512093, 25609763, 26100331)

NM_001376.5(DYNC1H1):c.7813C>T (p.Leu2605Phe)

Gene: DYNC1H1 (dynein cytoplasmic 1 heavy chain 1; plus strand). Cytogenetic location: 14q32.31.
Variant type: single nucleotide variant.
Coding change: c.7813C>T on transcript NM_001376.5 (MANE Select); coding-DNA position 7813, C replaced by T.
Protein change: p.Leu2605Phe; replaces leucine 2605 with phenylalanine.
Molecular consequence: missense variant.
Genome position (GRCh38, 1-based): chr14:102,016,964, C>T. VCF-style: chr14-102016964-C-T. GRCh37 (hg19) VCF-style: chr14-102483301-C-T.
Other names: short protein forms L2605F.
Identifiers: ClinVar variation 4077254 (VCV004077254.1).
Genomic context (GRCh38, chr14:102,016,964, plus strand): 5'-CTGGCCGAACACAAGCCCCTGGTCTTGTGTGGCCCTCCTGGGTCTGGCAAGACCATGACA[C>T]TCTTCAGCGCCCTCCGGGCCTTGCCTGACATGGAGGTAAAGAGGCCAGGAGGTGGGCAGC-3'
Protein context (NP_001367.2, residues 2595-2615): GPPGSGKTMT[Leu2605Phe]FSALRALPDM